The following is an entry in ClinVar:

ClinVar aggregate classification (germline): Pathogenic. Review status: reviewed by expert panel (3 of 4 stars). 4 submissions from 4 submitters: Pathogenic (1). 3 of the submissions do not count toward it. Last evaluated 2016-10-18.

Conditions:
Hereditary breast ovarian cancer syndrome. Also called: Hereditary breast and ovarian cancer syndrome; Hereditary breast and ovarian cancer; Hereditary breast and ovarian cancer syndrome (HBOC); Breast and ovarian cancer; Hereditary breast and/or ovarian cancer syndrome; BRCA1- and BRCA2-Associated Hereditary Breast and Ovarian Cancer. Identifiers: Orphanet 145, MedGen C0677776, MeSH D061325, MONDO:0003582. Disease mechanism: loss of function.
Hereditary cancer-predisposing syndrome. Also called: Neoplastic Syndromes, Hereditary; Tumor predisposition; Hereditary neoplastic syndrome; Hereditary Cancer Syndrome. Identifiers: Orphanet 140162, MedGen C0027672, MeSH D009386, MONDO:0015356.
Breast-ovarian cancer, familial, susceptibility to, 2 (BROVCA2). Also called: BRCA2 Hereditary Breast and Ovarian Cancer. Identifiers: Orphanet 145, MedGen C2675520, MONDO:0012933, OMIM 612555. Disease mechanism: loss of function.

Submissions (4):

Evidence-based Network for the Interpretation of Germline Mutant Alleles (ENIGMA)
Classification: Pathogenic for Breast-ovarian cancer, familial, susceptibility to, 2. Last evaluated: 2016-10-18. Review status: reviewed by expert panel. Criteria: ENIGMA BRCA1/2 Classification Criteria (2015). Collection method: curation. Allele origin: germline.
Comment: Variant allele predicted to encode a truncated non-functional protein.

Labcorp Genetics (formerly Invitae), Labcorp
Classification: Pathogenic for Hereditary breast ovarian cancer syndrome. Last evaluated: 2022-11-01. Review status: criteria provided, single submitter. Criteria: Invitae Variant Classification Sherloc (09022015). Collection method: clinical testing. Allele origin: germline. Not counted in ClinVar's aggregate classification.
Comment: This variant is not present in population databases (gnomAD no frequency). For these reasons, this variant has been classified as Pathogenic. ClinVar contains an entry for this variant (Variation ID: 52315). This premature translational stop signal has been observed in individual(s) with a personal and/or family history of breast and/or ovarian cancer (PMID: 22762150, 26187060). This sequence change creates a premature translational stop signal (p.Asn2460Thrfs*9) in the BRCA2 gene. It is expected to result in an absent or disrupted protein product. Loss-of-function variants in BRCA2 are known to be pathogenic (PMID: 20104584).

Color Diagnostics, LLC DBA Color Health
Classification: Pathogenic for Hereditary cancer-predisposing syndrome. Last evaluated: 2020-01-15. Review status: criteria provided, single submitter. Criteria: ACMG Guidelines, 2015. Collection method: clinical testing. Allele origin: germline. Not counted in ClinVar's aggregate classification.
Comment: This variant deletes 1 nucleotide in exon 14 of the BRCA2 gene, creating a frameshift and premature translation stop signal. This variant is expected to result in an absent or non-functional protein product. This variant has not been identified in the general population by the Genome Aggregation Database (gnomAD). Loss of BRCA2 function is a known mechanism of disease. Based on the available evidence, this variant is classified as Pathogenic.

Consortium of Investigators of Modifiers of BRCA1/2 (CIMBA), c/o University of Cambridge
Classification: Pathogenic for Breast-ovarian cancer, familial, susceptibility to, 2. Last evaluated: 2015-10-02. Review status: criteria provided, single submitter. Criteria: CIMBA Mutation Classification guidelines May 2016. Collection method: clinical testing. Allele origin: germline. Not counted in ClinVar's aggregate classification.

Literature cited by the submitters: PubMed 22762150 (cited by Labcorp Genetics (formerly Invitae), Labcorp); PubMed 26187060 (cited by Labcorp Genetics (formerly Invitae), Labcorp); PubMed 20104584 (cited by Labcorp Genetics (formerly Invitae), Labcorp).

NM_000059.4(BRCA2):c.7379del (p.Asn2460fs)

Gene: BRCA2 (BRCA2 DNA repair associated; plus strand). Cytogenetic location: 13q13.1.
Variant type: Deletion.
Coding change: c.7379del on transcript NM_000059.4 (MANE Select); coding-DNA position 7379, one base deleted (A; older notation c.7379delA).
Protein change: p.Asn2460fs; shifts the reading frame from asparagine 2460.
Molecular consequence: frameshift variant.
Genome position (GRCh38, 1-based): chr13:32,355,232, A deleted; the last of 5 consecutive A bases (chr13:32,355,228-32,355,232); deleting any one gives the same sequence. VCF-style (leftmost placement, unchanged base first): chr13-32355227-CA-C. GRCh37 (hg19) VCF-style: chr13-32929364-CA-C.
Other names: 7607delA; c.7379delA (NM_000059.3).
Identifiers: ClinVar variation 52315 (VCV000052315.17), dbSNP rs397507914, ClinGen allele CA025050.